The following is an entry in ClinVar:

ClinVar aggregate classification (germline): Uncertain significance (1 of 4 stars; one submission).

Conditions:
Dilated cardiomyopathy 1JJ (CMD1JJ). Identifiers: Orphanet 154, MedGen C3808935, MONDO:0014095, OMIM 615235.

Allele frequency attached by ClinVar (database versions not stated): gnomAD exomes below 0.00001.
gnomAD v4.1: 1 of 1,600,586 alleles (0.000062%); highest among the groups gnomAD compares: Non-Finnish European, 0.000086%; no homozygotes.

Submission:

Labcorp Genetics (formerly Invitae), Labcorp
Classification: Uncertain significance for Dilated cardiomyopathy 1JJ. Last evaluated: 2022-10-15. Review status: criteria provided, single submitter. Criteria: Invitae Variant Classification Sherloc (09022015). Collection method: clinical testing. Allele origin: germline.
Comment: In summary, the available evidence is currently insufficient to determine the role of this variant in disease. Therefore, it has been classified as a Variant of Uncertain Significance. Algorithms developed to predict the effect of missense changes on protein structure and function (SIFT, PolyPhen-2, Align-GVGD) all suggest that this variant is likely to be tolerated. This variant has not been reported in the literature in individuals affected with LAMA4-related conditions. This variant is not present in population databases (gnomAD no frequency). This sequence change replaces glutamine, which is neutral and polar, with glutamic acid, which is acidic and polar, at codon 389 of the LAMA4 protein (p.Gln389Glu).

NM_001105206.3(LAMA4):c.1186C>G (p.Gln396Glu)

Gene: LAMA4 (laminin subunit alpha 4; minus strand). Cytogenetic location: 6q21.
Variant type: single nucleotide variant.
Coding change: c.1186C>G on transcript NM_001105206.3 (MANE Select); coding-DNA position 1186, C replaced by G.
Protein change: p.Gln396Glu; replaces glutamine 396 with glutamic acid.
Molecular consequence: missense variant.
Genome position (GRCh38, 1-based): chr6:112,178,124, G>C on the plus strand (C>G on the coding strand, the complement: LAMA4 is on the minus strand). VCF-style: chr6-112178124-G-C. GRCh37 (hg19) VCF-style: chr6-112499326-G-C.
Other names: c.1165C>G, p.Gln389Glu (NM_001105207.3, NM_002290.5); short protein forms Q389E, Q396E.
Identifiers: ClinVar variation 1934794 (VCV001934794.5), dbSNP rs2547121412, ClinGen allele CA365372813.
Genomic context (GRCh38, chr6:112,178,124, plus strand): 5'-GTTAATAACATAAGTGTTTCCTTGATATTAAACTGAACCAGAAGAGAATATATTTACCTT[G>C]GATTTTATCCCTCATATCATGGGCTTGCTCTACCAGCTGACTTGCGTGGTTAATGGTGTC-3'
Protein context (NP_001098676.2, residues 386-406): EQAHDMRDKI[Gln396Glu]EINNKMLYYG